The following is an entry in ClinVar:

NM_020771.4(HACE1):c.1196A>G (p.Asp399Gly)

Gene: HACE1 (HECT domain and ankyrin repeat containing E3 ubiquitin protein ligase 1; minus strand). Cytogenetic location: 6q16.3.
Variant type: single nucleotide variant.
Coding change: c.1196A>G on transcript NM_020771.4 (MANE Select); coding-DNA position 1196, A replaced by G.
Protein change: p.Asp399Gly; replaces aspartic acid 399 with glycine.
Molecular consequence: missense variant. On other transcripts: non-coding transcript variant (7).
Genome position (GRCh38, 1-based): chr6:104,785,198, T>C on the plus strand (A>G on the coding strand, the complement: HACE1 is on the minus strand). VCF-style: chr6-104785198-T-C. GRCh37 (hg19) VCF-style: chr6-105233073-T-C.
Other names: p.Asp399Gly; c.1064A>G, p.Asp355Gly (NM_001321080.2); c.1094A>G, p.Asp365Gly (NM_001321083.2); c.692A>G, p.Asp231Gly (NM_001321084.2, NM_001350557.2, NM_001350558.2); c.962A>G, p.Asp321Gly (NM_001350554.2); c.905A>G, p.Asp302Gly (NM_001350555.2); c.710A>G, p.Asp237Gly (NM_001350556.2); c.614A>G, p.Asp205Gly (NM_001350559.2); and 1 more; short protein forms D138G, D231G, D365G, D399G, D321G, D205G, D237G, D302G.
Identifiers: ClinVar variation 779250 (VCV000779250.39), dbSNP rs34365906, ClinGen allele CA3940307.

ClinVar aggregate classification (germline): Benign. Review status: criteria provided, multiple submitters, no conflicts (2 of 4 stars). 3 submissions from 3 submitters: Benign (3). Last evaluated 2026-09-01.

Allele frequency attached by ClinVar (database versions not stated): 1000 Genomes Project 0.00220; 1000 Genomes Project 30x 0.00281; gnomAD exomes 0.00543 and 0.00975; ExAC 0.00544; gnomAD 0.00553 and 0.00578; TOPMed 0.00565; ESP Exome Variant Server 0.00807.
gnomAD v4.1: 14,952 of 1,613,882 alleles (0.93%); highest among the groups gnomAD compares: Non-Finnish European, 1.2%; 89 homozygotes.

Submissions (10):

CeGaT Center for Human Genetics Tuebingen
Classification: Benign. Last evaluated: 2026-09-01. Review status: criteria provided, single submitter. Criteria: CeGaT Center For Human Genetics Tuebingen Variant Classification Criteria Version 2. Collection method: clinical testing. Allele origin: germline. Affected: yes. Observed: 40 variant alleles.
Comment: HACE1: BP4, BS1, BS2

Labcorp Genetics (formerly Invitae), Labcorp
Classification: Benign. Last evaluated: 2026-02-01. Review status: criteria provided, single submitter. Criteria: Invitae Variant Classification Sherloc (09022015). Collection method: clinical testing. Allele origin: germline.

Mayo Clinic Laboratories, Mayo Clinic
Classification: Benign. Last evaluated: 2023-12-06. Review status: criteria provided, single submitter. Criteria: ACMG Guidelines, 2015. Collection method: clinical testing. Allele origin: germline. Observed: 6 variant alleles.
Comment: BA1, BS2

Dr. Peter K. Rogan Lab, Western University
No classification provided (evidence only). Condition: Clear cell carcinoma of kidney. Review status: no classification provided. Collection method: in vitro. Allele origin: not applicable. Functional consequence: retained intron. Not counted in ClinVar's aggregate classification.

Dr. Peter K. Rogan Lab, Western University
No classification provided (evidence only). Condition: Lung cancer. Review status: no classification provided. Collection method: in vitro. Allele origin: not applicable. Functional consequence: retained intron. Not counted in ClinVar's aggregate classification.

Dr. Peter K. Rogan Lab, Western University
No classification provided (evidence only). Condition: Melanoma. Review status: no classification provided. Collection method: in vitro. Allele origin: not applicable. Functional consequence: retained intron. Not counted in ClinVar's aggregate classification.

Dr. Peter K. Rogan Lab, Western University
No classification provided (evidence only). Condition: Uterine corpus endometrial carcinoma. Review status: no classification provided. Collection method: in vitro. Allele origin: not applicable. Functional consequence: retained intron. Not counted in ClinVar's aggregate classification.

Dr. Peter K. Rogan Lab, Western University
No classification provided (evidence only). Condition: Hepatocellular carcinoma. Review status: no classification provided. Collection method: in vitro. Allele origin: not applicable. Functional consequence: retained intron. Not counted in ClinVar's aggregate classification.

Dr. Peter K. Rogan Lab, Western University
No classification provided (evidence only). Condition: Hepatocellular carcinoma. Review status: no classification provided. Collection method: in vitro. Allele origin: not applicable. Functional consequence: retained intron. Not counted in ClinVar's aggregate classification.

Dr. Peter K. Rogan Lab, Western University
No classification provided (evidence only). Condition: Ovarian serous cystadenocarcinoma. Review status: no classification provided. Collection method: in vitro. Allele origin: not applicable. Functional consequence: retained intron. Not counted in ClinVar's aggregate classification.